The following is an entry in ClinVar:

ClinVar aggregate classification (germline): Pathogenic (1 of 4 stars; one submission).

Conditions:
Ectopia lentis 2, isolated, autosomal recessive (ECTOL2). Identifiers: Orphanet 1885, MedGen C3541474, MONDO:0009152, OMIM 225100.

Submission:

Victorian Clinical Genetics Services, Murdoch Childrens Research Institute
Classification: Pathogenic for Ectopia lentis 2, isolated, autosomal recessive. Last evaluated: 2024-09-23. Review status: criteria provided, single submitter. Criteria: ACMG Guidelines, 2015. Collection method: clinical testing. Allele origin: germline. Inheritance: Autosomal recessive inheritance. Affected: yes.
Comment: Based on the classification scheme VCGS_Germline_v1.3.4, this variant is classified as Pathogenic. Following criteria are met: 0102 - Loss of function is a known mechanism of disease in this gene and is associated with ectopia lentis et pupillae (MIM#225200), isolated ectopia lentis (MIM#225100) and craniosynostosis with ectopia lentis (MONDO:0011347; PMID: 35378950). (I) 0106 - This gene is associated with autosomal recessive disease. (I) 0115 - Variants in this gene are known to have variable expressivity. Phenotype may vary significantly among patients, even within the same family (PMID: 22338190). (I) 0201 - Variant is predicted to cause nonsense-mediated decay (NMD) and loss of protein (premature termination codon is located at least 54 nucleotides upstream of the final exon-exon junction). (SP) 0251 - This variant is heterozygous. (I) 0301 - Variant is absent from gnomAD (both v2 and v3). (SP) 0701 - Many other NMD-predicted variants comparable to the one identified in this case have very strong previous evidence for pathogenicity (DECIPHER). (SP) 0807 - This variant has no previous evidence of pathogenicity. (I) 0905 - No published segregation evidence has been identified for this variant. (I) 1007 - No published functional evidence has been identified for this variant. (I) 1201 - Heterozygous variant detected in trans with a second pathogenic heterozygous variant (NM_019032.5(ADAMTSL4):c.767_786del; p.(Gln256Profs*38)) in a recessive disease. (I) Legend: (SP) - Supporting pathogenic, (I) - Information, (SB) - Supporting benign

Literature cited by the submitters: PubMed 22338190; PubMed 35378950.

NM_019032.6(ADAMTSL4):c.1656del (p.Thr553fs)

Genes: ADAMTSL4 (ADAMTS like 4; plus strand), ADAMTSL4-AS2 (ADAMTSL4 antisense RNA 2; minus strand). Cytogenetic location: 1q21.2.
Variant type: Deletion.
Coding change: c.1656del on transcript NM_019032.6 (MANE Select); coding-DNA position 1656, one base deleted (G; older notation c.1656delG).
Protein change: p.Thr553fs; shifts the reading frame from threonine 553.
Molecular consequence: frameshift variant. On other transcripts: non-coding transcript variant (1).
Genome position (GRCh38, 1-based): chr1:150,556,700, G deleted; the last of 3 consecutive G bases (chr1:150,556,698-150,556,700); deleting any one gives the same sequence. VCF-style (leftmost placement, unchanged base first): chr1-150556697-CG-C. GRCh37 (hg19) VCF-style: chr1-150529173-CG-C.
Other names: c.1725del, p.Thr576fs (NM_001288607.2, NM_001288608.2); c.1656del, p.Thr553fs (NM_001378596.1, NM_025008.5); short protein forms T553fs, T576fs.
Identifiers: ClinVar variation 3255177 (VCV003255177.2), dbSNP rs2526708427.